The following is an entry in ClinVar:

ClinVar aggregate classification (germline): Uncertain significance (1 of 4 stars; one submission).

Submission:

Labcorp Genetics (formerly Invitae), Labcorp
Classification: Uncertain significance. Last evaluated: 2025-01-01. Review status: criteria provided, single submitter. Criteria: Invitae Variant Classification Sherloc (09022015). Collection method: clinical testing. Allele origin: germline.
Comment: This sequence change replaces aspartic acid, which is acidic and polar, with glutamic acid, which is acidic and polar, at codon 331 of the RHO protein (p.Asp331Glu). This variant is not present in population databases (gnomAD no frequency). This variant has not been reported in the literature in individuals affected with RHO-related conditions. Invitae Evidence Modeling of protein sequence and biophysical properties (such as structural, functional, and spatial information, amino acid conservation, physicochemical variation, residue mobility, and thermodynamic stability) indicates that this missense variant is not expected to disrupt RHO protein function with a negative predictive value of 95%. In summary, the available evidence is currently insufficient to determine the role of this variant in disease. Therefore, it has been classified as a Variant of Uncertain Significance.

NM_000539.3(RHO):c.993T>A (p.Asp331Glu)

Gene: RHO (rhodopsin; plus strand). Cytogenetic location: 3q22.1.
Variant type: single nucleotide variant.
Coding change: c.993T>A on transcript NM_000539.3 (MANE Select); coding-DNA position 993, T replaced by A.
Protein change: p.Asp331Glu; replaces aspartic acid 331 with glutamic acid.
Molecular consequence: missense variant.
Genome position (GRCh38, 1-based): chr3:129,533,664, T>A. VCF-style: chr3-129533664-T-A. GRCh37 (hg19) VCF-style: chr3-129252507-T-A.
Other names: short protein forms D331E.
Identifiers: ClinVar variation 3721187 (VCV003721187.2).